The following is an entry in ClinVar:

NM_001429.4(EP300):c.6907C>G (p.Leu2303Val)

Gene: EP300 (EP300 lysine acetyltransferase; plus strand). Cytogenetic location: 22q13.2.
Variant type: single nucleotide variant.
Coding change: c.6907C>G on transcript NM_001429.4 (MANE Select); coding-DNA position 6907, C replaced by G.
Protein change: p.Leu2303Val; replaces leucine 2303 with valine.
Molecular consequence: missense variant.
Genome position (GRCh38, 1-based): chr22:41,178,618, C>G. VCF-style: chr22-41178618-C-G. GRCh37 (hg19) VCF-style: chr22-41574622-C-G.
Other names: c.6829C>G, p.Leu2277Val (NM_001362843.2); short protein forms L2303V, L2277V.
Identifiers: ClinVar variation 134054 (VCV000134054.4), dbSNP rs144787962, ClinGen allele CA158518.

ClinVar aggregate classification (germline): Likely benign. Review status: criteria provided, single submitter (1 of 4 stars). 2 submissions from 2 submitters: Likely benign (1). 1 of the submissions does not count toward it. Last evaluated 2024-03-13.

Conditions:
Rubinstein-Taybi syndrome due to EP300 haploinsufficiency. Also called: RUBINSTEIN-TAYBI SYNDROME 2; EP300-Related Rubinstein-Taybi Syndrome. Identifiers: Orphanet 353284, Orphanet 783, MedGen C3150941, MONDO:0013364, OMIM 613684.

Allele frequency attached by ClinVar (database versions not stated): gnomAD exomes below 0.00001.
gnomAD v4.1: 3 of 1,614,110 alleles (0.00019%); highest among the groups gnomAD compares: East Asian, 0.0022%; no homozygotes.

Submissions (2):

Labcorp Genetics (formerly Invitae), Labcorp
Classification: Likely benign for Rubinstein-Taybi syndrome due to EP300 haploinsufficiency. Last evaluated: 2024-03-13. Review status: criteria provided, single submitter. Criteria: Invitae Variant Classification Sherloc (09022015). Collection method: clinical testing. Allele origin: germline.

ITMI
No classification provided. Condition: AllHighlyPenetrant. Last evaluated: 2013-09-19. Review status: no classification provided. Collection method: reference population. Allele origin: germline. Not counted in ClinVar's aggregate classification.
Comment: Please see associated publication for description of ethnicities

Literature cited by the submitters: PubMed 24728327 (cited by ITMI).